The following is an entry in ClinVar:

NM_007253.4(CYP4F8):c.146G>A (p.Arg49Gln)

Gene: CYP4F8 (cytochrome P450 family 4 subfamily F member 8; plus strand). Cytogenetic location: 19p13.12.
Variant type: single nucleotide variant.
Coding change: c.146G>A on transcript NM_007253.4 (MANE Select); coding-DNA position 146, G replaced by A.
Protein change: p.Arg49Gln; replaces arginine 49 with glutamine.
Molecular consequence: missense variant.
Genome position (GRCh38, 1-based): chr19:15,615,762, G>A. VCF-style: chr19-15615762-G-A. GRCh37 (hg19) VCF-style: chr19-15726573-G-A.
Other names: short protein forms R49Q.
Identifiers: ClinVar variation 2649496 (VCV002649496.24), dbSNP rs146396294, ClinGen allele CA9270048.

ClinVar aggregate classification (germline): Likely benign (1 of 4 stars; one submission).

Allele frequency attached by ClinVar (database versions not stated): 1000 Genomes Project 30x 0.00297; 1000 Genomes Project 0.00300; ExAC 0.00511; TOPMed 0.00521; gnomAD 0.00526; ESP Exome Variant Server 0.00531.

Submission:

CeGaT Center for Human Genetics Tuebingen
Classification: Likely benign. Last evaluated: 2023-01-01. Review status: criteria provided, single submitter. Criteria: CeGaT Center For Human Genetics Tuebingen Variant Classification Criteria Version 2. Collection method: clinical testing. Allele origin: germline. Affected: yes. Observed: 1 variant allele.
Comment: CYP4F8: BP4, BS2